The following is an entry in ClinVar:

ClinVar aggregate classification (germline): Benign (0 of 4 stars; one submission).

Conditions:
CELSR2-related disorder. Also called: CELSR2-related condition.

Allele frequency attached by ClinVar (database versions not stated): TOPMed 0.00009; ESP Exome Variant Server 0.00015; 1000 Genomes Project 30x 0.00078; gnomAD exomes 0.00091; 1000 Genomes Project 0.00100; gnomAD 0.00171; ExAC 0.00188.
gnomAD v4.1: 1,580 of 1,614,118 alleles (0.098%); highest among the groups gnomAD compares: East Asian, 0.056%; 16 homozygotes.

Submission:

PreventionGenetics, part of Exact Sciences
Classification: Benign for CELSR2-related condition. Last evaluated: 2019-05-06. Review status: no assertion criteria provided. Collection method: clinical testing. Allele origin: germline.
Comment: This variant is classified as benign based on ACMG/AMP sequence variant interpretation guidelines (Richards et al. 2015 PMID: 25741868, with internal and published modifications).

NM_001408.3(CELSR2):c.6986G>A (p.Ser2329Asn)

Gene: CELSR2 (cadherin EGF LAG seven-pass G-type receptor 2; plus strand). Cytogenetic location: 1p13.3.
Variant type: single nucleotide variant.
Coding change: c.6986G>A on transcript NM_001408.3 (MANE Select); coding-DNA position 6986, G replaced by A.
Protein change: p.Ser2329Asn; replaces serine 2329 with asparagine.
Molecular consequence: missense variant.
Genome position (GRCh38, 1-based): chr1:109,269,699, G>A. VCF-style: chr1-109269699-G-A. GRCh37 (hg19) VCF-style: chr1-109812321-G-A.
Other names: short protein forms S2329N.
Identifiers: ClinVar variation 3037818 (VCV003037818.2), dbSNP rs147655719, ClinGen allele CA988086.